The following is an entry in ClinVar:

ClinVar aggregate classification (germline): Pathogenic. Review status: criteria provided, multiple submitters, no conflicts (2 of 4 stars). 3 submissions from 3 submitters: Pathogenic (3). Last evaluated 2025-12-11.

Conditions:
Primary ciliary dyskinesia. Also called: Ciliary dyskinesia. Identifiers: Orphanet 244, MedGen C0008780, MONDO:0016575, HP:0012265.
Primary ciliary dyskinesia 3. Identifiers: Orphanet 244, MedGen C1837618, MONDO:0012085, OMIM 608644.

Allele frequency attached by ClinVar (database versions not stated): gnomAD exomes below 0.00001; gnomAD 0.00001 and 0.00002; ESP Exome Variant Server 0.00008; ExAC 0.00001; TOPMed 0.00002.

Submissions (3):

Ambry Genetics
Classification: Pathogenic for Primary ciliary dyskinesia. Last evaluated: 2025-12-11. Review status: criteria provided, single submitter. Criteria: Ambry Variant Classification Scheme 2023. Collection method: clinical testing. Allele origin: germline.
Comment: The c.10910delT pathogenic mutation, located in coding exon 64 of the DNAH5 gene, results from a deletion of one nucleotide at nucleotide position 10910, causing a translational frameshift with a predicted alternate stop codon (p.L3637Rfs*20). This alteration is expected to result in loss of function by premature protein truncation or nonsense-mediated mRNA decay. As such, this alteration is interpreted as a disease-causing mutation.

Myriad Genetics, Inc.
Classification: Pathogenic for Primary ciliary dyskinesia 3. Last evaluated: 2024-05-14. Review status: criteria provided, single submitter. Criteria: Myriad Autosomal Dominant, Autosomal Recessive and X-Linked Classification Criteria (2023). Collection method: clinical testing. Allele origin: unknown.
Comment: NM_001369.2(DNAH5):c.10910delT(L3637Rfs*20) is expected to be pathogenic in the context of primary ciliary dyskinesia, DNAH5-related. This variant is predicted to lead to an abnormal or absent protein product due to the creation of a premature termination codon in DNAH5, a gene where loss-of-function variants are known to be pathogenic. Please note: this variant was assessed in the context of healthy population screening.

Labcorp Genetics (formerly Invitae), Labcorp
Classification: Pathogenic for Primary ciliary dyskinesia. Last evaluated: 2023-01-08. Review status: criteria provided, single submitter. Criteria: Invitae Variant Classification Sherloc (09022015). Collection method: clinical testing. Allele origin: germline.
Comment: For these reasons, this variant has been classified as Pathogenic. ClinVar contains an entry for this variant (Variation ID: 407260). This variant has not been reported in the literature in individuals affected with DNAH5-related conditions. This variant is present in population databases (rs769691189, gnomAD 0.008%). This sequence change creates a premature translational stop signal (p.Leu3637Argfs*20) in the DNAH5 gene. It is expected to result in an absent or disrupted protein product. Loss-of-function variants in DNAH5 are known to be pathogenic (PMID: 11788826, 16627867).

Literature cited by the submitters: PubMed 11788826 (cited by Labcorp Genetics (formerly Invitae), Labcorp); PubMed 16627867 (cited by Labcorp Genetics (formerly Invitae), Labcorp).

NM_001369.3(DNAH5):c.10910del (p.Leu3637fs)

Gene: DNAH5 (dynein axonemal heavy chain 5; minus strand). Cytogenetic location: 5p15.2.
Variant type: Deletion.
Coding change: c.10910del on transcript NM_001369.3 (MANE Select); coding-DNA position 10910, one base deleted (T; older notation c.10910delT).
Protein change: p.Leu3637fs; shifts the reading frame from leucine 3637.
Molecular consequence: frameshift variant.
Genome position (GRCh38, 1-based): chr5:13,752,252, A deleted on the plus strand (T on the coding strand, the reverse complement: DNAH5 is on the minus strand). VCF-style (leftmost placement, unchanged base first): chr5-13752251-CA-C. GRCh37 (hg19) VCF-style: chr5-13752360-CA-C.
Other names: c.10910delT (NM_001369.2); short protein forms L3637fs.
Identifiers: ClinVar variation 407260 (VCV000407260.9), dbSNP rs769691189, ClinGen allele CA3202099.